The following is an entry in ClinVar:

ClinVar aggregate classification (germline): Uncertain significance. Review status: criteria provided, multiple submitters, no conflicts (2 of 4 stars). 4 submissions from 4 submitters: Uncertain significance (3). 1 of the submissions does not count toward it. Last evaluated 2022-06-13.

Conditions:
Bardet-Biedl syndrome 16 (BBS16). Identifiers: Orphanet 110, MedGen C3889474, MONDO:0014444, OMIM 615993.
Senior-Loken syndrome 7 (SLSN7). Identifiers: Orphanet 3156, MedGen C3150877, MONDO:0013326, OMIM 613615.
SDCCAG8-related disorder. Also called: SDCCAG8-Related Disorders; SDCCAG8-related condition.

Allele frequency attached by ClinVar (database versions not stated): ExAC 0.00001; gnomAD exomes 0.00001; gnomAD 0.00009 and 0.00011; TOPMed 0.00012; ESP Exome Variant Server 0.00015.
gnomAD v4.1: 21 of 1,604,194 alleles (0.0013%); highest among the groups gnomAD compares: African/African-American, 0.028%; no homozygotes.

Submissions (4):

Labcorp Genetics (formerly Invitae), Labcorp
Classification: Uncertain significance for Bardet-Biedl syndrome 16; Senior-Loken syndrome 7. Last evaluated: 2022-06-13. Review status: criteria provided, single submitter. Criteria: Invitae Variant Classification Sherloc (09022015). Collection method: clinical testing. Allele origin: germline.
Comment: This sequence change replaces glutamic acid, which is acidic and polar, with lysine, which is basic and polar, at codon 584 of the SDCCAG8 protein (p.Glu584Lys). This variant is present in population databases (rs150961792, gnomAD 0.02%). This variant has not been reported in the literature in individuals affected with SDCCAG8-related conditions. ClinVar contains an entry for this variant (Variation ID: 1052788). Algorithms developed to predict the effect of missense changes on protein structure and function are either unavailable or do not agree on the potential impact of this missense change (SIFT: "Deleterious"; PolyPhen-2: "Possibly Damaging"; Align-GVGD: "Class C15"). Algorithms developed to predict the effect of sequence changes on RNA splicing suggest that this variant may disrupt the consensus splice site. In summary, the available evidence is currently insufficient to determine the role of this variant in disease. Therefore, it has been classified as a Variant of Uncertain Significance.

Fulgent Genetics
Classification: Uncertain significance for Senior-Loken syndrome 7; Bardet-Biedl syndrome 16. Last evaluated: 2021-09-28. Review status: criteria provided, single submitter. Criteria: ACMG Guidelines, 2015. Collection method: clinical testing. Allele origin: unknown.

Blueprint Genetics
Classification: Uncertain significance. Last evaluated: 2021-09-15. Review status: criteria provided, single submitter. Criteria: ACMG Guidelines, 2015. Collection method: clinical testing. Allele origin: germline.

PreventionGenetics, part of Exact Sciences
Classification: Uncertain significance for SDCCAG8-related condition. Last evaluated: 2024-08-05. Review status: no assertion criteria provided. Collection method: clinical testing. Allele origin: germline. Not counted in ClinVar's aggregate classification.
Comment: The SDCCAG8 c.1750G>A variant is predicted to result in the amino acid substitution p.Glu584Lys. To our knowledge, this variant has not been reported in the literature. This variant is reported in 0.020% of alleles in individuals of African descent in gnomAD. At this time, the clinical significance of this variant is uncertain due to the absence of conclusive functional and genetic evidence.

NM_006642.5(SDCCAG8):c.1750G>A (p.Glu584Lys)

Gene: SDCCAG8 (SHH signaling and ciliogenesis regulator SDCCAG8; plus strand). Cytogenetic location: 1q43.
Variant type: single nucleotide variant.
Coding change: c.1750G>A on transcript NM_006642.5 (MANE Select); coding-DNA position 1750, G replaced by A.
Protein change: p.Glu584Lys; replaces glutamic acid 584 with lysine.
Molecular consequence: missense variant.
Genome position (GRCh38, 1-based): chr1:243,417,973, G>A. VCF-style: chr1-243417973-G-A. GRCh37 (hg19) VCF-style: chr1-243581275-G-A.
Other names: c.1750G>A (NM_006642.3); c.847G>A, p.Glu283Lys (NM_001350246.2, NM_001350247.2, NM_001350251.2); c.1846G>A, p.Glu616Lys (NM_001350248.2); c.1456G>A, p.Glu486Lys (NM_001350249.2); short protein forms E283K, E486K, E584K, E616K.
Identifiers: ClinVar variation 1052788 (VCV001052788.9), dbSNP rs150961792, ClinGen allele CA1483731.